The following is an entry in ClinVar:

ClinVar aggregate classification (germline): Benign/Likely benign. Review status: criteria provided, multiple submitters, no conflicts (2 of 4 stars). 7 submissions from 7 submitters: Benign (1); Likely benign (5). 1 of the submissions does not count toward it. Last evaluated 2026-04-01.

Conditions:
BAP1-related disorder. Also called: BAP1-related condition.
Hereditary cancer-predisposing syndrome. Also called: Tumor predisposition; Hereditary neoplastic syndrome; Hereditary Cancer Syndrome; Neoplastic Syndromes, Hereditary. Identifiers: Orphanet 140162, MedGen C0027672, MeSH D009386, MONDO:0015356.
BAP1-related tumor predisposition syndrome (TPDS1). Also called: Tumor susceptibility linked to germline BAP1 mutations; COMMON Syndrome; TUMOR PREDISPOSITION SYNDROME 1; BAP1 tumor predisposition syndrome. Identifiers: Orphanet 289539, MedGen C3280492, MONDO:0013692, OMIM 614327.

Allele frequency attached by ClinVar (database versions not stated): gnomAD 0.00001 and 0.00003; TOPMed 0.00003; gnomAD exomes 0.00004 and 0.00013; ESP Exome Variant Server 0.00008; ExAC 0.00011; 1000 Genomes Project 0.00020; 1000 Genomes Project 30x 0.00047.
gnomAD v4.1: 75 of 1,614,100 alleles (0.0046%); highest among the groups gnomAD compares: East Asian, 0.045%; 1 homozygote.

Submissions (7):

CeGaT Center for Human Genetics Tuebingen
Classification: Likely benign. Last evaluated: 2026-04-01. Review status: criteria provided, single submitter. Criteria: CeGaT Center For Human Genetics Tuebingen Variant Classification Criteria Version 2. Collection method: clinical testing. Allele origin: germline. Affected: yes. Observed: 2 variant alleles.
Comment: BAP1: BP4, BP7

Labcorp Genetics (formerly Invitae), Labcorp
Classification: Likely benign for BAP1-related tumor predisposition syndrome. Last evaluated: 2026-01-19. Review status: criteria provided, single submitter. Criteria: Invitae Variant Classification Sherloc (09022015). Collection method: clinical testing. Allele origin: germline.

Myriad Genetics, Inc.
Classification: Benign for BAP1-related tumor predisposition syndrome. Last evaluated: 2024-07-16. Review status: criteria provided, single submitter. Criteria: Myriad Autosomal Dominant, Autosomal Recessive and X-Linked Classification Criteria (2023). Collection method: clinical testing. Allele origin: unknown.
Comment: This variant is considered benign. This variant is a silent/synonymous amino acid change and it is not expected to impact splicing.

Quest Diagnostics Nichols Institute San Juan Capistrano
Classification: Likely benign. Last evaluated: 2021-06-29. Review status: criteria provided, single submitter. Criteria: Quest Diagnostics criteria. Collection method: clinical testing. Allele origin: unknown.

Color Diagnostics, LLC DBA Color Health
Classification: Likely benign for Hereditary cancer-predisposing syndrome. Last evaluated: 2016-11-28. Review status: criteria provided, single submitter. Criteria: ACMG Guidelines, 2015. Collection method: clinical testing. Allele origin: germline.

Ambry Genetics
Classification: Likely benign for Hereditary cancer-predisposing syndrome. Last evaluated: 2016-11-16. Review status: criteria provided, single submitter. Criteria: Ambry Variant Classification Scheme 2023. Collection method: clinical testing. Allele origin: germline.

PreventionGenetics, part of Exact Sciences
Classification: Likely benign for BAP1-related condition. Last evaluated: 2023-07-17. Review status: no assertion criteria provided. Collection method: clinical testing. Allele origin: germline. Not counted in ClinVar's aggregate classification.
Comment: This variant is classified as likely benign based on ACMG/AMP sequence variant interpretation guidelines (Richards et al. 2015 PMID: 25741868, with internal and published modifications).

NM_004656.4(BAP1):c.1308A>G (p.Gln436=)

Gene: BAP1 (BRCA1 associated deubiquitinase 1; minus strand). Cytogenetic location: 3p21.1.
Variant type: single nucleotide variant.
Coding change: c.1308A>G on transcript NM_004656.4 (MANE Select); coding-DNA position 1308, A replaced by G.
Protein change: p.Gln436=; no amino-acid change (glutamine 436 retained).
Molecular consequence: synonymous variant.
Genome position (GRCh38, 1-based): chr3:52,403,837, T>C on the plus strand (A>G on the coding strand, the complement: BAP1 is on the minus strand). VCF-style: chr3-52403837-T-C. GRCh37 (hg19) VCF-style: chr3-52437853-T-C.
Other names: c.1308A>G (LRG_529t1).
Identifiers: ClinVar variation 417291 (VCV000417291.25), dbSNP rs202038162, ClinGen allele CA2436831.
Genomic context (GRCh38, chr3:52,403,837, plus strand): 5'-CTGGGACTCTTTGAGCTTCTCAGCCAAGACGTTGATGGTGTTGGGCTGCAGCACTGACAG[T>C]TGCCCATCAGCAGAACCGCTCAATGCCCCTGGCTTCCCTGTTCCCTTCCCCTTATACCTG-3'
Protein context (NP_004647.1, residues 426-446): PGALSGSADG[Gln436=]LSVLQPNTIN